The following is an entry in ClinVar:

NM_002691.4(POLD1):c.2887del (p.Ala963fs)

Gene: POLD1 (DNA polymerase delta 1, catalytic subunit; plus strand). Cytogenetic location: 19q13.33.
Variant type: Deletion.
Coding change: c.2887del on transcript NM_002691.4 (MANE Select); coding-DNA position 2887, one base deleted (G; older notation c.2887delG).
Protein change: p.Ala963fs; shifts the reading frame from alanine 963.
Molecular consequence: frameshift variant. On other transcripts: non-coding transcript variant (1).
Genome position (GRCh38, 1-based): chr19:50,416,462, G deleted; the last of 2 consecutive G bases (chr19:50,416,461-50,416,462); deleting either gives the same sequence. VCF-style (leftmost placement, unchanged base first): chr19-50416460-TG-T. GRCh37 (hg19) VCF-style: chr19-50919717-TG-T.
Other names: c.2887delG (NM_002691.2); c.2887del, p.Ala963fs (NM_001256849.1); c.2965del, p.Ala989fs (NM_001308632.1); short protein forms A989fs, A963fs.
Identifiers: ClinVar variation 2813684 (VCV002813684.4), dbSNP rs2122491114, ClinGen allele CA2586572457.

ClinVar aggregate classification (germline): Uncertain significance. Review status: criteria provided, multiple submitters, no conflicts (2 of 4 stars). 2 submissions from 2 submitters: Uncertain significance (2). Last evaluated 2025-05-25.

Conditions:
POLD1-related polyposis and colorectal cancer syndrome (CRCS10). Also called: Colorectal cancer 10; Colorectal cancer, susceptibility to, 10; COLORECTAL CANCER, SUSCEPTIBILITY TO, ON CHROMOSOME 19q. Identifiers: Orphanet 220460, MedGen C2675481, MONDO:0012953, OMIM 612591.
Hereditary cancer-predisposing syndrome. Also called: Tumor predisposition; Hereditary Cancer Syndrome; Hereditary neoplastic syndrome; Neoplastic Syndromes, Hereditary. Identifiers: Orphanet 140162, MedGen C0027672, MeSH D009386, MONDO:0015356.

Submissions (2):

Ambry Genetics
Classification: Uncertain significance for Hereditary cancer-predisposing syndrome. Last evaluated: 2025-05-25. Review status: criteria provided, single submitter. Criteria: Ambry Variant Classification Scheme 2023. Collection method: clinical testing. Allele origin: germline.
Comment: The c.2887delG variant, located in coding exon 22 of the POLD1 gene, results from a deletion of one nucleotide at nucleotide position 2887, causing a translational frameshift with a predicted alternate stop codon (p.A963Pfs*82). This alteration is expected to result in loss of function by premature protein truncation or nonsense-mediated mRNA decay. However, loss of function of POLD1 has not been established as a mechanism of disease. Based on the available evidence, the clinical significance of this alteration remains unclear.

Labcorp Genetics (formerly Invitae), Labcorp
Classification: Uncertain significance for POLD1-related polyposis and colorectal cancer syndrome. Last evaluated: 2022-11-19. Review status: criteria provided, single submitter. Criteria: Invitae Variant Classification Sherloc (09022015). Collection method: clinical testing. Allele origin: germline.
Comment: In summary, the available evidence is currently insufficient to determine the role of this variant in disease. Therefore, it has been classified as a Variant of Uncertain Significance. This variant has not been reported in the literature in individuals affected with POLD1-related conditions. This variant is not present in population databases (gnomAD no frequency). This sequence change creates a premature translational stop signal (p.Ala963Profs*82) in the POLD1 gene. Missense variants that disrupt the 3'-5' exonuclease (proof-reading) activity of the POLD1 protein are associated with PPAP (polymerase proofreading–associated polyposis) (PMID: 23263490, 23447401). However, loss-of-function variants that result in an absent or severely disrupted POLD1 protein, and missense variants outside the exonuclease domain, are unlikely to be associated with PPAP.

Literature cited by the submitters: PubMed 23263490 (cited by Labcorp Genetics (formerly Invitae), Labcorp); PubMed 23447401 (cited by Labcorp Genetics (formerly Invitae), Labcorp).